The following is an entry in ClinVar:

ClinVar aggregate classification (germline): Likely benign. Review status: criteria provided, multiple submitters, no conflicts (2 of 4 stars). 4 submissions from 4 submitters: Likely benign (4). Last evaluated 2025-05-01.

Conditions:
Cryopyrin associated periodic syndrome (CAPS). Identifiers: Orphanet 208650, MedGen C2316212, MONDO:0016168.

Allele frequency attached by ClinVar (database versions not stated): gnomAD exomes below 0.00001; gnomAD 0.00001.
gnomAD v4.1: 12 of 1,614,004 alleles (0.00074%); highest among the groups gnomAD compares: East Asian, 0.0022%; no homozygotes.

Submissions (4):

Labcorp Genetics (formerly Invitae), Labcorp
Classification: Likely benign for Cryopyrin associated periodic syndrome. Last evaluated: 2025-05-01. Review status: criteria provided, single submitter. Criteria: Invitae Variant Classification Sherloc (09022015). Collection method: clinical testing. Allele origin: germline.

ARUP Laboratories, Molecular Genetics and Genomics, ARUP Laboratories
Classification: Likely benign. Last evaluated: 2018-06-11. Review status: criteria provided, single submitter. Criteria: ARUP Molecular Germline Variant Investigation Process. Collection method: clinical testing. Allele origin: germline.
Comment: The NLRP3 c.2817C>T; p.Pro939Pro variant (rs545121784), to our knowledge, is not reported in the medical literature or in gene-specific databases. The variant is reported in the Genome Aggregation Database in 2 out of 277,236 alleles, indicating it is not a common polymorphism. This is a synonymous variant, the nucleotide at this position is weakly conserved across species, and computational algorithms predict this variant does not alter mRNA splicing (Alamut v.2.11). Considering available information, this variant is classified as likely benign.

Laboratory for Molecular Medicine, Mass General Brigham Personalized Medicine
Classification: Likely benign. Last evaluated: 2018-02-14. Review status: criteria provided, single submitter. Criteria: LMM Criteria. Collection method: clinical testing. Allele origin: germline. Observed: 1 variant allele.
Comment: p.Pro939Pro in exon 9 of NLRP3: This variant is not expected to have clinical si gnificance because it does not alter an amino acid residue, is not located withi n the splice consensus sequence and splice prediction algorithms do not predict a newly created splice site. It has been identified in 1/24034 African chromosom es and by the Genome Aggregation Database (gnomAD. org; dbSNP rs545121784). ACMG/AMP Criteria applied: BP4; BP7.

CeGaT Center for Human Genetics Tuebingen
Classification: Likely benign. Last evaluated: 2017-11-01. Review status: criteria provided, single submitter. Criteria: CeGaT Center For Human Genetics Tuebingen Variant Classification Criteria Version 2. Collection method: clinical testing. Allele origin: germline. Affected: yes. Observed: 1 variant allele.

NM_001243133.2(NLRP3):c.2811C>T (p.Pro937=)

Gene: NLRP3 (NLR family pyrin domain containing 3; plus strand). Cytogenetic location: 1q44.
Variant type: single nucleotide variant.
Coding change: c.2811C>T on transcript NM_001243133.2 (MANE Select); coding-DNA position 2811, C replaced by T.
Protein change: p.Pro937=; no amino-acid change (proline 937 retained).
Molecular consequence: synonymous variant.
Genome position (GRCh38, 1-based): chr1:247,444,119, C>T. VCF-style: chr1-247444119-C-T. GRCh37 (hg19) VCF-style: chr1-247607421-C-T.
Other names: c.2811C>T, p.Pro937= (NM_001079821.3); c.2640C>T, p.Pro880= (NM_001127461.3, NM_001127462.3); c.2817C>T, p.Pro939= (NM_004895.5); c.2469C>T, p.Pro823= (NM_183395.3).
Identifiers: ClinVar variation 546637 (VCV000546637.62), dbSNP rs545121784, ClinGen allele CA40712652.